The following is an entry in ClinVar:

ClinVar aggregate classification (germline): Uncertain significance. Review status: criteria provided, multiple submitters, no conflicts (2 of 4 stars). 2 submissions from 2 submitters: Uncertain significance (2). Last evaluated 2026-03-31.

Conditions:
Marfan syndrome (MFS). Also called: MARFAN SYNDROME, TYPE I; Marfan syndrome type 1; Marfan's syndrome; Marfan syndrome, classic; FBN1-Related Marfan Syndrome. Identifiers: Orphanet 284963, Orphanet 558, MedGen C0024796, MONDO:0007947, OMIM 154700.
Familial thoracic aortic aneurysm and aortic dissection (TAAD). Also called: Thoracic aortic aneurysms and dissections. Identifiers: Orphanet 91387, MedGen C4707243, MONDO:0019625.

Allele frequency attached by ClinVar (database versions not stated): gnomAD 0.00001; gnomAD exomes below 0.00001; TOPMed below 0.00001.
gnomAD v4.1: 6 of 1,613,854 alleles (0.00037%); highest among the groups gnomAD compares: Non-Finnish European, 0.00042%; no homozygotes.

Submissions (2):

GeneDx
Classification: Uncertain significance. Last evaluated: 2026-03-31. Review status: criteria provided, single submitter. Criteria: GeneDx Variant Classification Process June 2021. Collection method: clinical testing. Allele origin: germline.
Comment: Not observed at significant frequency in large population cohorts (gnomAD); In silico analysis supports that this missense variant has a deleterious effect on protein structure/function; Has not been previously published as pathogenic or benign to our knowledge; This variant is associated with the following publications: (PMID: 12938084)

Labcorp Genetics (formerly Invitae), Labcorp
Classification: Uncertain significance for Marfan syndrome; Familial thoracic aortic aneurysm and aortic dissection. Last evaluated: 2023-09-25. Review status: criteria provided, single submitter. Criteria: Invitae Variant Classification Sherloc (09022015). Collection method: clinical testing. Allele origin: germline.
Comment: This variant has not been reported in the literature in individuals affected with FBN1-related conditions. This variant is present in population databases (no rsID available, gnomAD 0.007%). This sequence change replaces aspartic acid, which is acidic and polar, with asparagine, which is neutral and polar, at codon 839 of the FBN1 protein (p.Asp839Asn). In summary, the available evidence is currently insufficient to determine the role of this variant in disease. Therefore, it has been classified as a Variant of Uncertain Significance. Advanced modeling of protein sequence and biophysical properties (such as structural, functional, and spatial information, amino acid conservation, physicochemical variation, residue mobility, and thermodynamic stability) performed at Invitae indicates that this missense variant is expected to disrupt FBN1 protein function.

NM_000138.5(FBN1):c.2515G>A (p.Asp839Asn)

Gene: FBN1 (fibrillin 1; minus strand). Cytogenetic location: 15q21.1.
Variant type: single nucleotide variant.
Coding change: c.2515G>A on transcript NM_000138.5 (MANE Select); coding-DNA position 2515, G replaced by A.
Protein change: p.Asp839Asn; replaces aspartic acid 839 with asparagine.
Molecular consequence: missense variant.
Genome position (GRCh38, 1-based): chr15:48,495,493, C>T on the plus strand (G>A on the coding strand, the complement: FBN1 is on the minus strand). VCF-style: chr15-48495493-C-T. GRCh37 (hg19) VCF-style: chr15-48787690-C-T.
Other names: c.2515G>A, p.Asp839Asn (NM_001406716.1); short protein forms D839N.
Identifiers: ClinVar variation 2949767 (VCV002949767.4), dbSNP rs1319430305, ClinGen allele CA392334322.